The following is an entry in ClinVar:

ClinVar aggregate classification (germline): Uncertain significance. Review status: criteria provided, multiple submitters, no conflicts (2 of 4 stars). 2 submissions from 2 submitters: Uncertain significance (2). Last evaluated 2022-06-02.

Conditions:
Popliteal pterygium syndrome (PPS). Identifiers: Orphanet 294963, MedGen C0265259, MONDO:0017435.
Van der Woude syndrome. Identifiers: Orphanet 888, MedGen C0175697, MONDO:0019508.
Orofacial cleft 6, susceptibility to (OFC6). Also called: CLEFT LIP WITH OR WITHOUT CLEFT PALATE, NONSYNDROMIC, 6. Identifiers: MedGen C1837213, MONDO:0012141, OMIM 608864.

Allele frequency attached by ClinVar (database versions not stated): gnomAD exomes below 0.00001.
gnomAD v4.1: 1 of 1,581,684 alleles (0.000063%); highest among the groups gnomAD compares: Non-Finnish European, 0.000087%; no homozygotes.

Submissions (2):

GeneDx
Classification: Uncertain significance. Last evaluated: 2022-06-02. Review status: criteria provided, single submitter. Criteria: GeneDx Variant Classification Process June 2021. Collection method: clinical testing. Allele origin: germline. Affected: yes.
Comment: Not observed at significant frequency in large population cohorts (gnomAD); In silico analysis supports that this missense variant does not alter protein structure/function; Has not been previously published as pathogenic or benign to our knowledge

Labcorp Genetics (formerly Invitae), Labcorp
Classification: Uncertain significance for Orofacial cleft 6, susceptibility to; Van der Woude syndrome; Popliteal pterygium syndrome. Last evaluated: 2021-01-30. Review status: criteria provided, single submitter. Criteria: Invitae Variant Classification Sherloc (09022015). Collection method: clinical testing. Allele origin: germline.
Comment: This variant has not been reported in the literature in individuals with IRF6-related conditions. In summary, the available evidence is currently insufficient to determine the role of this variant in disease. Therefore, it has been classified as a Variant of Uncertain Significance. Algorithms developed to predict the effect of sequence changes on RNA splicing suggest that this variant may create or strengthen a splice site, but this prediction has not been confirmed by published transcriptional studies. Advanced modeling of protein sequence and biophysical properties (such as structural, functional, and spatial information, amino acid conservation, physicochemical variation, residue mobility, and thermodynamic stability) performed at Invitae indicates that this missense variant is not expected to disrupt IRF6 protein function. This variant is not present in population databases (ExAC no frequency). This sequence change replaces glutamine with arginine at codon 467 of the IRF6 protein (p.Gln467Arg). The glutamine residue is highly conserved and there is a small physicochemical difference between glutamine and arginine.

NM_006147.4(IRF6):c.1400A>G (p.Gln467Arg)

Gene: IRF6 (interferon regulatory factor 6; minus strand). Cytogenetic location: 1q32.2.
Variant type: single nucleotide variant.
Coding change: c.1400A>G on transcript NM_006147.4 (MANE Select); coding-DNA position 1400, A replaced by G.
Protein change: p.Gln467Arg; replaces glutamine 467 with arginine.
Molecular consequence: missense variant.
Genome position (GRCh38, 1-based): chr1:209,788,424, T>C on the plus strand (A>G on the coding strand, the complement: IRF6 is on the minus strand). VCF-style: chr1-209788424-T-C. GRCh37 (hg19) VCF-style: chr1-209961769-T-C.
Other names: c.1115A>G, p.Gln372Arg (NM_001206696.2); short protein forms Q372R, Q467R.
Identifiers: ClinVar variation 1463896 (VCV001463896.9), dbSNP rs1195873569, ClinGen allele CA344572499.
Genomic context (GRCh38, chr1:209,788,424, plus strand): 5'-AAAAATCCATATGTACAATATTATAAAAAAGAGAAGGAAGAAGATGGCATTCACAATTAC[T>C]GGGGAGGCAGGGCAGGGGGCAGTTGCATGCTGGGGGTGGGCTGCATGGGCTGCCAGCTCT-3'
Protein context (NP_006138.1, residues 457-467): SMQLPPALPP[Gln467Arg]